The following is an entry in ClinVar:

NM_002336.3(LRP6):c.3934A>C (p.Asn1312His)

Gene: LRP6 (LDL receptor related protein 6; minus strand). Cytogenetic location: 12p13.2.
Variant type: single nucleotide variant.
Coding change: c.3934A>C on transcript NM_002336.3 (MANE Select); coding-DNA position 3934, A replaced by C.
Protein change: p.Asn1312His; replaces asparagine 1312 with histidine.
Molecular consequence: missense variant.
Genome position (GRCh38, 1-based): chr12:12,131,857, T>G on the plus strand (A>C on the coding strand, the complement: LRP6 is on the minus strand). VCF-style: chr12-12131857-T-G. GRCh37 (hg19) VCF-style: chr12-12284791-T-G.
Other names: c.4027A>C, p.Asn1343His (NM_001414244.1); c.3934A>C, p.Asn1312His (NM_001414245.1, NM_001414248.1, NM_001414249.1 and 1 more transcripts); c.3799A>C, p.Asn1267His (NM_001414246.1); c.3736A>C, p.Asn1246His (NM_001414247.1); c.3481A>C, p.Asn1161His (NM_001414252.1, NM_001414253.1, NM_001414254.1); c.3427A>C, p.Asn1143His (NM_001414255.1); short protein forms N1246H, N1161H, N1143H, N1267H, N1312H, N1343H.
Identifiers: ClinVar variation 2070653 (VCV002070653.4), dbSNP rs904438369, ClinGen allele CA232997893.

ClinVar aggregate classification (germline): Uncertain significance (1 of 4 stars; one submission).

Allele frequency attached by ClinVar (database versions not stated): TOPMed 0.00003; gnomAD 0.00001.
gnomAD v4.1: 7 of 1,614,068 alleles (0.00043%); highest among the groups gnomAD compares: Admixed American, 0.012%; no homozygotes.

Submission:

Labcorp Genetics (formerly Invitae), Labcorp
Classification: Uncertain significance. Last evaluated: 2024-12-13. Review status: criteria provided, single submitter. Criteria: Invitae Variant Classification Sherloc (09022015). Collection method: clinical testing. Allele origin: germline.
Comment: This sequence change replaces asparagine, which is neutral and polar, with histidine, which is basic and polar, at codon 1312 of the LRP6 protein (p.Asn1312His). This variant is present in population databases (no rsID available, gnomAD 0.006%). This variant has not been reported in the literature in individuals affected with LRP6-related conditions. ClinVar contains an entry for this variant (Variation ID: 2070653). Invitae Evidence Modeling of protein sequence and biophysical properties (such as structural, functional, and spatial information, amino acid conservation, physicochemical variation, residue mobility, and thermodynamic stability) indicates that this missense variant is not expected to disrupt LRP6 protein function with a negative predictive value of 80%. In summary, the available evidence is currently insufficient to determine the role of this variant in disease. Therefore, it has been classified as a Variant of Uncertain Significance.